The following is an entry in ClinVar:

NM_014989.7(RIMS1):c.1151C>T (p.Ala384Val)

Gene: RIMS1 (regulating synaptic membrane exocytosis 1; plus strand). Cytogenetic location: 6q13.
Variant type: single nucleotide variant.
Coding change: c.1151C>T on transcript NM_014989.7 (MANE Select); coding-DNA position 1151, C replaced by T.
Protein change: p.Ala384Val; replaces alanine 384 with valine.
Molecular consequence: missense variant.
Genome position (GRCh38, 1-based): chr6:72,182,622, C>T. VCF-style: chr6-72182622-C-T. GRCh37 (hg19) VCF-style: chr6-72892325-C-T.
Other names: c.1151C>T (NM_014989.4); short protein forms A384V.
Identifiers: ClinVar variation 837861 (VCV000837861.10), dbSNP rs1233906052, ClinGen allele CA364820368.

ClinVar aggregate classification (germline): Uncertain significance. Review status: criteria provided, multiple submitters, no conflicts (2 of 4 stars). 2 submissions from 2 submitters: Uncertain significance (2). Last evaluated 2024-03-31.

Allele frequency attached by ClinVar (database versions not stated): TOPMed 0.00001; gnomAD exomes 0.00002.
gnomAD v4.1: 23 of 1,546,084 alleles (0.0015%); highest among the groups gnomAD compares: Non-Finnish European, 0.002%; no homozygotes.

Submissions (2):

Ambry Genetics
Classification: Uncertain significance. Last evaluated: 2024-03-31. Review status: criteria provided, single submitter. Criteria: Ambry Variant Classification Scheme 2023. Collection method: clinical testing. Allele origin: germline.

Labcorp Genetics (formerly Invitae), Labcorp
Classification: Uncertain significance. Last evaluated: 2019-11-27. Review status: criteria provided, single submitter. Criteria: Invitae Variant Classification Sherloc (09022015). Collection method: clinical testing. Allele origin: germline.
Comment: In summary, the available evidence is currently insufficient to determine the role of this variant in disease. Therefore, it has been classified as a Variant of Uncertain Significance. Algorithms developed to predict the effect of missense changes on protein structure and function are either unavailable or do not agree on the potential impact of this missense change (SIFT: "Deleterious"; PolyPhen-2: "Benign"; Align-GVGD: "Class C0"). This variant has not been reported in the literature in individuals with RIMS1-related conditions. The frequency data for this variant in the population databases is considered unreliable, as metrics indicate insufficient coverage at this position in the ExAC database. This sequence change replaces alanine with valine at codon 384 of the RIMS1 protein (p.Ala384Val). The alanine residue is highly conserved and there is a small physicochemical difference between alanine and valine.